The following is an entry in ClinVar:

ClinVar aggregate classification (germline): Conflicting classifications of pathogenicity. Review status: criteria provided, conflicting classifications (1 of 4 stars). 3 submissions from 3 submitters: Uncertain significance (1); Benign (1); Likely benign (1). Last evaluated 2026-06-01.

Conditions:
Immunodeficiency 92. Identifiers: Orphanet 697394, MedGen C5562039, MONDO:0030498, OMIM 619652.

Allele frequency attached by ClinVar (database versions not stated): 1000 Genomes Project 30x 0.00234; 1000 Genomes Project 0.00280; TOPMed 0.00336 and 0.00368; ESP Exome Variant Server 0.00369; gnomAD 0.00380.
gnomAD v4.1: 6,130 of 1,561,962 alleles (0.39%); highest among the groups gnomAD compares: Middle Eastern, 3.4%; 29 homozygotes.

Submissions (17):

CeGaT Center for Human Genetics Tuebingen
Classification: Likely benign. Last evaluated: 2026-06-01. Review status: criteria provided, single submitter. Criteria: CeGaT Center For Human Genetics Tuebingen Variant Classification Criteria Version 2. Collection method: clinical testing. Allele origin: germline. Affected: yes. Observed: 6 variant alleles.
Comment: REL: BS2

Labcorp Genetics (formerly Invitae), Labcorp
Classification: Benign. Last evaluated: 2026-02-02. Review status: criteria provided, single submitter. Criteria: Invitae Variant Classification Sherloc (09022015). Collection method: clinical testing. Allele origin: germline.

Department of Pathology and Laboratory Medicine, Sinai Health System
Classification: Uncertain significance for immunodeficiency 92. Last evaluated: 2023-02-08. Review status: criteria provided, single submitter. Criteria: ACMG Guidelines, 2015. Collection method: research. Allele origin: germline.

Dr. Peter K. Rogan Lab, Western University
No classification provided (evidence only). Condition: Lung cancer. Review status: no classification provided. Collection method: in vitro. Allele origin: not applicable. Functional consequence: retained intron. Not counted in ClinVar's aggregate classification.

Dr. Peter K. Rogan Lab, Western University
No classification provided (evidence only). Condition: Familial cancer of breast. Review status: no classification provided. Collection method: in vitro. Allele origin: not applicable. Functional consequence: retained intron. Not counted in ClinVar's aggregate classification.

Dr. Peter K. Rogan Lab, Western University
No classification provided (evidence only). Condition: Familial cancer of breast. Review status: no classification provided. Collection method: in vitro. Allele origin: not applicable. Functional consequence: retained intron. Not counted in ClinVar's aggregate classification.

Dr. Peter K. Rogan Lab, Western University
No classification provided (evidence only). Condition: Familial cancer of breast. Review status: no classification provided. Collection method: in vitro. Allele origin: not applicable. Functional consequence: retained intron. Not counted in ClinVar's aggregate classification.

Dr. Peter K. Rogan Lab, Western University
No classification provided (evidence only). Condition: Acute myeloid leukemia. Review status: no classification provided. Collection method: in vitro. Allele origin: not applicable. Functional consequence: retained intron. Not counted in ClinVar's aggregate classification.

Dr. Peter K. Rogan Lab, Western University
No classification provided (evidence only). Condition: Acute myeloid leukemia. Review status: no classification provided. Collection method: in vitro. Allele origin: not applicable. Functional consequence: retained intron. Not counted in ClinVar's aggregate classification.

Dr. Peter K. Rogan Lab, Western University
No classification provided (evidence only). Condition: Cervical cancer. Review status: no classification provided. Collection method: in vitro. Allele origin: not applicable. Functional consequence: retained intron. Not counted in ClinVar's aggregate classification.

Dr. Peter K. Rogan Lab, Western University
No classification provided (evidence only). Condition: Sarcoma. Review status: no classification provided. Collection method: in vitro. Allele origin: not applicable. Functional consequence: retained intron. Not counted in ClinVar's aggregate classification.

Dr. Peter K. Rogan Lab, Western University
No classification provided (evidence only). Condition: Thymoma. Review status: no classification provided. Collection method: in vitro. Allele origin: not applicable. Functional consequence: retained intron. Not counted in ClinVar's aggregate classification.

Dr. Peter K. Rogan Lab, Western University
No classification provided (evidence only). Condition: Ovarian serous cystadenocarcinoma. Review status: no classification provided. Collection method: in vitro. Allele origin: not applicable. Functional consequence: retained intron. Not counted in ClinVar's aggregate classification.

Dr. Peter K. Rogan Lab, Western University
No classification provided (evidence only). Condition: Malignant tumor of esophagus. Review status: no classification provided. Collection method: in vitro. Allele origin: not applicable. Functional consequence: retained intron. Not counted in ClinVar's aggregate classification.

Dr. Peter K. Rogan Lab, Western University
No classification provided (evidence only). Condition: Familial pancreatic carcinoma. Review status: no classification provided. Collection method: in vitro. Allele origin: not applicable. Functional consequence: retained intron. Not counted in ClinVar's aggregate classification.

Dr. Peter K. Rogan Lab, Western University
No classification provided (evidence only). Condition: Lymphoma. Review status: no classification provided. Collection method: in vitro. Allele origin: not applicable. Functional consequence: retained intron. Not counted in ClinVar's aggregate classification.

Dr. Peter K. Rogan Lab, Western University
No classification provided (evidence only). Condition: Ovarian cancer. Review status: no classification provided. Collection method: in vitro. Allele origin: not applicable. Functional consequence: retained intron. Not counted in ClinVar's aggregate classification.

NM_001291746.2(REL):c.992-7C>A

Gene: REL (REL proto-oncogene, NF-kB subunit; plus strand). Cytogenetic location: 2p16.1.
Variant type: single nucleotide variant.
Coding change: c.992-7C>A on transcript NM_001291746.2 (MANE Select); 7 bases into the intron before coding-DNA position 992, C replaced by A.
Molecular consequence: intron variant.
Genome position (GRCh38, 1-based): chr2:60,921,756, C>A. VCF-style: chr2-60921756-C-A. GRCh37 (hg19) VCF-style: chr2-61148891-C-A.
Other names: c.1088-7C>A (NM_002908.4).
Identifiers: ClinVar variation 871169 (VCV000871169.38), dbSNP rs142878172, ClinGen allele CA1672405.
Genomic context (GRCh38, chr2:60,921,756, plus strand): 5'-TAATTTAGAAATGCTTTTTATAATTTTGTTCATTTTAATTTCGTAAAATAAATTTTTCCT[C>A]CCACAGAACCAAACTTGTTTTCTCATGATGCAGTTGTGAGAGAAATGCCTACAGGGGTTT-3'